The following is an entry in ClinVar:

ClinVar aggregate classification (germline): Likely benign. Review status: criteria provided, multiple submitters, no conflicts (2 of 4 stars). 2 submissions from 2 submitters: Likely benign (2). Last evaluated 2025-11-10.

Allele frequency attached by ClinVar (database versions not stated): TOPMed 0.00003; gnomAD exomes 0.00008.
gnomAD v4.1: 14 of 1,456,380 alleles (0.00096%); highest among the groups gnomAD compares: Admixed American, 0.013%; no homozygotes.

Submissions (2):

Labcorp Genetics (formerly Invitae), Labcorp
Classification: Likely benign. Last evaluated: 2025-11-10. Review status: criteria provided, single submitter. Criteria: Invitae Variant Classification Sherloc (09022015). Collection method: clinical testing. Allele origin: germline.

CeGaT Center for Human Genetics Tuebingen
Classification: Likely benign. Last evaluated: 2022-03-01. Review status: criteria provided, single submitter. Criteria: CeGaT Center For Human Genetics Tuebingen Variant Classification Criteria Version 2. Collection method: clinical testing. Allele origin: germline. Affected: yes. Observed: 1 variant allele.
Comment: LIPT2: BP4, BP7

NM_001144869.3(LIPT2):c.60G>T (p.Leu20=)

Genes: LIPT2 (lipoyl(octanoyl) transferase 2; minus strand), LIPT2-AS1 (LIPT2 antisense RNA 1; plus strand). Cytogenetic location: 11q13.4.
Variant type: single nucleotide variant.
Coding change: c.60G>T on transcript NM_001144869.3 (MANE Select); coding-DNA position 60, G replaced by T.
Protein change: p.Leu20=; no amino-acid change (leucine 20 retained).
Molecular consequence: synonymous variant. On other transcripts: non-coding transcript variant (1).
Genome position (GRCh38, 1-based): chr11:74,493,644, C>A on the plus strand (G>T on the coding strand, the complement: LIPT2 is on the minus strand). VCF-style: chr11-74493644-C-A. GRCh37 (hg19) VCF-style: chr11-74204689-C-A.
Other names: c.60G>T, p.Leu20= (NM_001329941.2, NM_001329942.2).
Identifiers: ClinVar variation 1669047 (VCV001669047.39), dbSNP rs1445047576, ClinGen allele CA475888777.